The following is an entry in ClinVar:

NM_018714.3(COG1):c.1988C>T (p.Thr663Ile)

Gene: COG1 (component of oligomeric golgi complex 1; plus strand). Cytogenetic location: 17q25.1.
Variant type: single nucleotide variant.
Coding change: c.1988C>T on transcript NM_018714.3 (MANE Select); coding-DNA position 1988, C replaced by T.
Protein change: p.Thr663Ile; replaces threonine 663 with isoleucine.
Molecular consequence: missense variant.
Genome position (GRCh38, 1-based): chr17:73,201,815, C>T. VCF-style: chr17-73201815-C-T. GRCh37 (hg19) VCF-style: chr17-71197954-C-T.
Other names: short protein forms T663I.
Identifiers: ClinVar variation 1354002 (VCV001354002.6), dbSNP rs2145098550, ClinGen allele CA400893753.

ClinVar aggregate classification (germline): Uncertain significance (1 of 4 stars; one submission).

Conditions:
COG1 congenital disorder of glycosylation (CDG2G). Also called: CDG IIg; CDGII/COG1 CEREBROCOSTOMANDIBULAR-LIKE SYNDROME; CONGENITAL DISORDER OF GLYCOSYLATION, TYPE IIg. Identifiers: Orphanet 263508, MedGen C2931011, MONDO:0012637, OMIM 611209.

Allele frequency attached by ClinVar (database versions not stated): gnomAD exomes below 0.00001.

Submission:

Labcorp Genetics (formerly Invitae), Labcorp
Classification: Uncertain significance for COG1 congenital disorder of glycosylation. Last evaluated: 2024-10-15. Review status: criteria provided, single submitter. Criteria: Invitae Variant Classification Sherloc (09022015). Collection method: clinical testing. Allele origin: germline.
Comment: This sequence change replaces threonine, which is neutral and polar, with isoleucine, which is neutral and non-polar, at codon 663 of the COG1 protein (p.Thr663Ile). This variant is not present in population databases (gnomAD no frequency). This variant has not been reported in the literature in individuals affected with COG1-related conditions. ClinVar contains an entry for this variant (Variation ID: 1354002). Invitae Evidence Modeling of protein sequence and biophysical properties (such as structural, functional, and spatial information, amino acid conservation, physicochemical variation, residue mobility, and thermodynamic stability) indicates that this missense variant is not expected to disrupt COG1 protein function with a negative predictive value of 80%. In summary, the available evidence is currently insufficient to determine the role of this variant in disease. Therefore, it has been classified as a Variant of Uncertain Significance.